The following is an entry in ClinVar:

ClinVar aggregate classification (germline): Pathogenic/Likely pathogenic. Review status: criteria provided, multiple submitters, no conflicts (2 of 4 stars). 2 submissions from 2 submitters: Pathogenic (1); Likely pathogenic (1). Last evaluated 2021-09-24.

Conditions:
Juvenile polyposis syndrome (JPS). Identifiers: Orphanet 2929, MedGen C0345893, MONDO:0017380, OMIM 174900.
Hereditary cancer-predisposing syndrome. Also called: Hereditary neoplastic syndrome; Neoplastic Syndromes, Hereditary; Tumor predisposition; Hereditary Cancer Syndrome. Identifiers: Orphanet 140162, MedGen C0027672, MeSH D009386, MONDO:0015356.

Submissions (2):

Labcorp Genetics (formerly Invitae), Labcorp
Classification: Likely pathogenic for Juvenile polyposis syndrome. Last evaluated: 2021-09-24. Review status: criteria provided, single submitter. Criteria: Invitae Variant Classification Sherloc (09022015). Collection method: clinical testing. Allele origin: germline.
Comment: Algorithms developed to predict the effect of sequence changes on RNA splicing suggest that this variant may disrupt the consensus splice site. ClinVar contains an entry for this variant (Variation ID: 482869). This variant has not been reported in the literature in individuals affected with BMPR1A-related conditions. This variant is not present in population databases (ExAC no frequency). This sequence change affects an acceptor splice site in intron 3 of the BMPR1A gene. It is expected to disrupt RNA splicing. Variants that disrupt the donor or acceptor splice site typically lead to a loss of protein function (PMID: 16199547), and loss-of-function variants in BMPR1A are known to be pathogenic (PMID: 11536076, 12417513). In summary, the currently available evidence indicates that the variant is pathogenic, but additional data are needed to prove that conclusively. Therefore, this variant has been classified as Likely Pathogenic.

Ambry Genetics
Classification: Pathogenic for Hereditary cancer-predisposing syndrome. Last evaluated: 2020-05-26. Review status: criteria provided, single submitter. Criteria: Ambry Variant Classification Scheme 2023. Collection method: clinical testing. Allele origin: germline.
Comment: The c.68-1G>A intronic pathogenic mutation results from a G to A substitution one nucleotide upstream from coding exon 2 of the BMPR1A gene. Alterations that disrupt the canonical splice site are expected to cause aberrant splicing, resulting in an abnormal protein or a transcript that is subject to nonsense-mediated mRNA decay. As such, this alteration is classified as a disease-causing mutation.

Literature cited by the submitters: PubMed 16199547 (cited by Labcorp Genetics (formerly Invitae), Labcorp); PubMed 11536076 (cited by Labcorp Genetics (formerly Invitae), Labcorp); PubMed 12417513 (cited by Labcorp Genetics (formerly Invitae), Labcorp).

NM_004329.3(BMPR1A):c.68-1G>A

Gene: BMPR1A (bone morphogenetic protein receptor type 1A; plus strand). Cytogenetic location: 10q23.2.
Variant type: single nucleotide variant.
Coding change: c.68-1G>A on transcript NM_004329.3 (MANE Select); the canonical splice acceptor site of the intron before coding-DNA position 68, G replaced by A.
Molecular consequence: splice acceptor variant. On other transcripts: intron variant (2).
Genome position (GRCh38, 1-based): chr10:86,890,061, G>A. VCF-style: chr10-86890061-G-A. GRCh37 (hg19) VCF-style: chr10-88649818-G-A.
Other names: c.68-1G>A (NM_001406562.1, NM_001406568.1, NM_001406567.1 and 23 more transcripts); c.-17-1G>A (NM_001406584.1, NM_001406587.1, NM_001406585.1); c.-12-6G>A (NM_001406588.1, NM_001406586.1).
Identifiers: ClinVar variation 482869 (VCV000482869.11), dbSNP rs1131691174, ClinGen allele CA377446195.